The following is an entry in ClinVar:

ClinVar aggregate classification (germline): Uncertain significance (1 of 4 stars; one submission).

Conditions:
Inborn genetic diseases. Identifiers: MedGen C0950123, MeSH D030342.

gnomAD v4.1: 1 of 1,607,772 alleles (0.000062%); highest among the groups gnomAD compares: Non-Finnish European, 0.000085%; no homozygotes.

Submission:

Ambry Genetics
Classification: Uncertain significance for Inborn genetic diseases. Last evaluated: 2021-07-04. Review status: criteria provided, single submitter. Criteria: Ambry Variant Classification Scheme 2023. Collection method: clinical testing. Allele origin: germline.
Comment: The p.M736I variant (also known as c.2208G>T), located in coding exon 14 of the EPAS1 gene, results from a G to T substitution at nucleotide position 2208. The methionine at codon 736 is replaced by isoleucine, an amino acid with highly similar properties. This amino acid position is conserved. In addition, this alteration is predicted to be tolerated by in silico analysis. Since supporting evidence is limited at this time, the clinical significance of this alteration remains unclear.

NM_001430.5(EPAS1):c.2208G>T (p.Met736Ile)

Gene: EPAS1 (endothelial PAS domain protein 1; plus strand). Cytogenetic location: 2p21.
Variant type: single nucleotide variant.
Coding change: c.2208G>T on transcript NM_001430.5 (MANE Select); coding-DNA position 2208, G replaced by T.
Protein change: p.Met736Ile; replaces methionine 736 with isoleucine.
Molecular consequence: missense variant.
Genome position (GRCh38, 1-based): chr2:46,382,010, G>T. VCF-style: chr2-46382010-G-T. GRCh37 (hg19) VCF-style: chr2-46609149-G-T.
Other names: short protein forms M736I.
Identifiers: ClinVar variation 1787723 (VCV001787723.2), dbSNP rs1260858568, ClinGen allele CA346705768.